The following is an entry in ClinVar:

ClinVar aggregate classification (germline): Uncertain significance (1 of 4 stars; one submission).

Submission:

Labcorp Genetics (formerly Invitae), Labcorp
Classification: Uncertain significance. Last evaluated: 2024-01-26. Review status: criteria provided, single submitter. Criteria: Invitae Variant Classification Sherloc (09022015). Collection method: clinical testing. Allele origin: germline.
Comment: This sequence change replaces tyrosine, which is neutral and polar, with asparagine, which is neutral and polar, at codon 287 of the SLC16A1 protein (p.Tyr287Asn). This variant is not present in population databases (gnomAD no frequency). This variant has not been reported in the literature in individuals affected with SLC16A1-related conditions. An algorithm developed to predict the effect of missense changes on protein structure and function (PolyPhen-2) suggests that this variant is likely to be disruptive. In summary, the available evidence is currently insufficient to determine the role of this variant in disease. Therefore, it has been classified as a Variant of Uncertain Significance.

NM_003051.4(SLC16A1):c.859T>A (p.Tyr287Asn)

Gene: SLC16A1 (solute carrier family 16 member 1; minus strand). Cytogenetic location: 1p13.2.
Variant type: single nucleotide variant.
Coding change: c.859T>A on transcript NM_003051.4 (MANE Select); coding-DNA position 859, T replaced by A.
Protein change: p.Tyr287Asn; replaces tyrosine 287 with asparagine.
Molecular consequence: missense variant.
Genome position (GRCh38, 1-based): chr1:112,917,547, A>T on the plus strand (T>A on the coding strand, the complement: SLC16A1 is on the minus strand). VCF-style: chr1-112917547-A-T. GRCh37 (hg19) VCF-style: chr1-113460169-A-T.
Other names: c.859T>A, p.Tyr287Asn (NM_001166496.2); short protein forms Y287N.
Identifiers: ClinVar variation 2711647 (VCV002711647.3), dbSNP rs2525087717, ClinGen allele CA341828054.